The following is an entry in ClinVar:

NM_001114753.3(ENG):c.234G>A (p.Leu78=)

Gene: ENG (endoglin; minus strand). Cytogenetic location: 9q34.11.
Variant type: single nucleotide variant.
Coding change: c.234G>A on transcript NM_001114753.3 (MANE Select); coding-DNA position 234, G replaced by A.
Protein change: p.Leu78=; no amino-acid change (leucine 78 retained).
Molecular consequence: synonymous variant. On other transcripts: 5 prime UTR variant (1).
Genome position (GRCh38, 1-based): chr9:127,829,813, C>T on the plus strand (G>A on the coding strand, the complement: ENG is on the minus strand). VCF-style: chr9-127829813-C-T. GRCh37 (hg19) VCF-style: chr9-130592092-C-T.
Other names: p.Leu78=; c.234G>A, p.Leu78= (NM_000118.4, NM_001406715.1); c.-313G>A (NM_001278138.2).
Identifiers: ClinVar variation 528074 (VCV000528074.26), dbSNP rs115675061, ClinGen allele CA5253179.
Genomic context (GRCh38, chr9:127,829,813, plus strand): 5'-GACCAGAAGCACCTCTCGGGGCCAGGTGCCATTTTGCTTGGATGCCTGGAGAGTCAGCTC[C>T]AGCTGTGACGGGCCCTGGGGGACACAGAGGAGAGACACACACAGTCCAGTCAGATTTGTA-3'
Protein context (NP_001108225.1, residues 68-88): FLEFPTGPSQ[Leu78=]ELTLQASKQN

ClinVar aggregate classification (germline): Benign/Likely benign. Review status: criteria provided, multiple submitters, no conflicts (2 of 4 stars). 7 submissions from 7 submitters: Benign (3); Likely benign (4). Last evaluated 2026-02-01.

Conditions:
Cardiovascular phenotype. Identifiers: MedGen CN230736.
Hereditary hemorrhagic telangiectasia (HHT). Also called: Osler hemorrhagic telangiectasia syndrome; ORW DISEASE; Osler Weber Rendu syndrome; OSLER-RENDU-WEBER DISEASE. Identifiers: Orphanet 774, MedGen C0039445, MONDO:0019180. Disease mechanism: loss of function.

Allele frequency attached by ClinVar (database versions not stated): gnomAD exomes 0.00007 and 0.00022; ExAC 0.00031; gnomAD 0.00076; TOPMed 0.00079; ESP Exome Variant Server 0.00092; 1000 Genomes Project 30x 0.00219; 1000 Genomes Project 0.00260.
gnomAD v4.1: 238 of 1,614,080 alleles (0.015%); highest among the groups gnomAD compares: African/African-American, 0.26%; 2 homozygotes.

Submissions (7):

CeGaT Center for Human Genetics Tuebingen
Classification: Likely benign. Last evaluated: 2026-02-01. Review status: criteria provided, single submitter. Criteria: CeGaT Center For Human Genetics Tuebingen Variant Classification Criteria Version 2. Collection method: clinical testing. Allele origin: germline. Affected: yes. Observed: 1 variant allele.
Comment: ENG: BP4, BS2

Labcorp Genetics (formerly Invitae), Labcorp
Classification: Benign for Hereditary hemorrhagic telangiectasia. Last evaluated: 2026-01-28. Review status: criteria provided, single submitter. Criteria: Invitae Variant Classification Sherloc (09022015). Collection method: clinical testing. Allele origin: germline.

Mayo Clinic Laboratories, Mayo Clinic
Classification: Likely benign. Last evaluated: 2025-10-09. Review status: criteria provided, single submitter. Criteria: ACMG Guidelines, 2015. Collection method: clinical testing. Allele origin: germline. Observed: 1 variant allele.
Comment: BS1_supporting, BP4, BP7

Blueprint Genetics
Classification: Likely benign. Last evaluated: 2024-04-11. Review status: criteria provided, single submitter. Criteria: ACMG Guidelines, 2015. Collection method: clinical testing. Allele origin: germline.

Ambry Genetics
Classification: Likely benign for Cardiovascular phenotype. Last evaluated: 2022-05-20. Review status: criteria provided, single submitter. Criteria: Ambry Variant Classification Scheme 2023. Collection method: clinical testing. Allele origin: germline.

ARUP Laboratories, Molecular Genetics and Genomics, ARUP Laboratories
Classification: Benign. Last evaluated: 2017-05-17. Review status: criteria provided, single submitter. Criteria: ARUP Molecular Germline Variant Investigation Process. Collection method: clinical testing. Allele origin: germline.

Breakthrough Genomics
Classification: Benign. Review status: criteria provided, single submitter. Criteria: ACMG Guidelines, 2015. Collection method: not provided. Allele origin: germline. Inheritance: Autosomal dominant inheritance. Affected: yes.